The following is an entry in ClinVar:

ClinVar aggregate classification (germline): Pathogenic (1 of 4 stars; one submission).

Conditions:
Hereditary cancer-predisposing syndrome. Also called: Tumor predisposition; Neoplastic Syndromes, Hereditary; Hereditary Cancer Syndrome; Hereditary neoplastic syndrome. Identifiers: Orphanet 140162, MedGen C0027672, MeSH D009386, MONDO:0015356.

Submission:

Ambry Genetics
Classification: Pathogenic for Hereditary cancer-predisposing syndrome. Last evaluated: 2024-09-11. Review status: criteria provided, single submitter. Criteria: Ambry Variant Classification Scheme 2023. Collection method: clinical testing. Allele origin: germline.
Comment: The c.9274dupT pathogenic mutation, located in coding exon 24 of the BRCA2 gene, results from a duplication of T at nucleotide position 9274, causing a translational frameshift with a predicted alternate stop codon (p.Y3092Lfs*19). This variant is considered to be rare based on population cohorts in the Genome Aggregation Database (gnomAD). This alteration is expected to result in loss of function by premature protein truncation or nonsense-mediated mRNA decay. As such, this alteration is interpreted as a disease-causing mutation.

NM_000059.4(BRCA2):c.9274dup (p.Tyr3092fs)

Gene: BRCA2 (BRCA2 DNA repair associated; plus strand). Cytogenetic location: 13q13.1.
Variant type: Duplication.
Coding change: c.9274dup on transcript NM_000059.4 (MANE Select); coding-DNA position 9274, one base duplicated (T; older notation c.9274dupT).
Protein change: p.Tyr3092fs; shifts the reading frame from tyrosine 3092.
Molecular consequence: frameshift variant. On other transcripts: non-coding transcript variant (1).
Genome position (GRCh38, 1-based): chr13:32,394,706, T duplicated. VCF-style (leftmost placement, unchanged base first): chr13-32394705-C-CT. GRCh37 (hg19) VCF-style: chr13-32968842-C-CT.
Other names: c.9178dup, p.Tyr3060fs (NM_001406719.1); c.9223dup, p.Tyr3075fs (NM_001406720.1); c.4342dup, p.Tyr1448fs (NM_001406721.1); c.2857dup, p.Tyr953fs (NM_001406722.1); c.9274dup, p.Tyr3092fs (NM_001432077.1); c.9274dupT (NM_000059.3); short protein forms Y1448fs, Y3075fs, Y3060fs, Y3092fs, Y953fs.
Identifiers: ClinVar variation 3482070 (VCV003482070.1).
Genomic context (GRCh38, chr13:32,394,705, plus strand): 5'-TAACACATCTATAATAACATTCTTTTCTTTTTTTTCCATTCTAGGACTTGCCCCTTTCGT[C>CT]TATTTGTCAGACGAATGTTACAATTTACTGGCAATAAAGTTTTGGATAGACCTTAATGAG-3'